The following is an entry in ClinVar:

ClinVar aggregate classification (germline): Uncertain significance (1 of 4 stars; one submission).

Allele frequency attached by ClinVar (database versions not stated): TOPMed 0.00002; gnomAD 0.00003 and 0.00004.
gnomAD v4.1: 6 of 1,614,028 alleles (0.00037%); highest among the groups gnomAD compares: African/African-American, 0.008%; no homozygotes.

Submission:

Labcorp Genetics (formerly Invitae), Labcorp
Classification: Uncertain significance. Last evaluated: 2023-07-03. Review status: criteria provided, single submitter. Criteria: Invitae Variant Classification Sherloc (09022015). Collection method: clinical testing. Allele origin: germline.
Comment: This sequence change replaces proline, which is neutral and non-polar, with leucine, which is neutral and non-polar, at codon 202 of the MAPKAPK3 protein (p.Pro202Leu). This variant is present in population databases (no rsID available, gnomAD 0.008%). This variant has not been reported in the literature in individuals affected with MAPKAPK3-related conditions. ClinVar contains an entry for this variant (Variation ID: 1060001). An algorithm developed to predict the effect of missense changes on protein structure and function (PolyPhen-2) suggests that this variant is likely to be tolerated. In summary, the available evidence is currently insufficient to determine the role of this variant in disease. Therefore, it has been classified as a Variant of Uncertain Significance.

NM_001243925.2(MAPKAPK3):c.605C>T (p.Pro202Leu)

Gene: MAPKAPK3 (MAPK activated protein kinase 3; plus strand). Cytogenetic location: 3p21.2.
Variant type: single nucleotide variant.
Coding change: c.605C>T on transcript NM_001243925.2 (MANE Select); coding-DNA position 605, C replaced by T.
Protein change: p.Pro202Leu; replaces proline 202 with leucine.
Molecular consequence: missense variant.
Genome position (GRCh38, 1-based): chr3:50,644,509, C>T. VCF-style: chr3-50644509-C-T. GRCh37 (hg19) VCF-style: chr3-50681940-C-T.
Other names: c.605C>T, p.Pro202Leu (NM_001243926.2, NM_004635.5); short protein forms P202L.
Identifiers: ClinVar variation 1060001 (VCV001060001.5), dbSNP rs755111080, ClinGen allele CA74626815.